The following is an entry in ClinVar:

NM_000051.4(ATM):c.8076A>T (p.Leu2692Phe)

Genes: ATM (ATM serine/threonine kinase; plus strand), C11orf65 (chromosome 11 open reading frame 65; minus strand). Cytogenetic location: 11q22.3.
Variant type: single nucleotide variant.
Coding change: c.8076A>T on transcript NM_000051.4 (MANE Select); coding-DNA position 8076, A replaced by T.
Protein change: p.Leu2692Phe; replaces leucine 2692 with phenylalanine.
Molecular consequence: missense variant. On other transcripts: intron variant (2).
Genome position (GRCh38, 1-based): chr11:108,335,034, A>T. VCF-style: chr11-108335034-A-T. GRCh37 (hg19) VCF-style: chr11-108205761-A-T.
Other names: c.8076A>T, p.Leu2692Phe (NM_001351834.2); c.641-25963T>A (NM_001330368.2); c.*38+186T>A (NM_001351110.2); short protein forms L2692F.
Identifiers: ClinVar variation 2774725 (VCV002774725.2), dbSNP rs2136658802, ClinGen allele CA382562014.

ClinVar aggregate classification (germline): Uncertain significance. Review status: criteria provided, multiple submitters, no conflicts (2 of 4 stars). 2 submissions from 2 submitters: Uncertain significance (2). Last evaluated 2024-01-02.

Conditions:
Hereditary cancer-predisposing syndrome. Also called: Tumor predisposition; Neoplastic Syndromes, Hereditary; Hereditary Cancer Syndrome; Hereditary neoplastic syndrome. Identifiers: Orphanet 140162, MedGen C0027672, MeSH D009386, MONDO:0015356.
Familial cancer of breast. Also called: BREAST CANCER, FAMILIAL; Hereditary breast cancer; hereditary breast carcinoma. Identifiers: Orphanet 227535, MedGen C0346153, MONDO:0016419, OMIM 114480. Disease mechanism: loss of function.

Submissions (2):

Baylor Genetics
Classification: Uncertain significance for Familial cancer of breast. Last evaluated: 2024-01-02. Review status: criteria provided, single submitter. Criteria: ACMG Guidelines, 2015. Collection method: clinical testing. Allele origin: unknown.

Color Diagnostics, LLC DBA Color Health
Classification: Uncertain significance for Hereditary cancer-predisposing syndrome. Last evaluated: 2023-05-08. Review status: criteria provided, single submitter. Criteria: ACMG Guidelines, 2015. Collection method: clinical testing. Allele origin: germline.
Comment: This missense variant replaces leucine with phenylalanine at codon 2692 of the ATM protein. Computational prediction suggests that this variant may have deleterious impact on protein structure and function (internally defined REVEL score threshold >= 0.7, PMID: 27666373). To our knowledge, functional studies have not been reported for this variant. This variant has not been reported in individuals affected with ATM-related disorders in the literature. This variant has not been identified in the general population by the Genome Aggregation Database (gnomAD). The available evidence is insufficient to determine the role of this variant in disease conclusively. Therefore, this variant is classified as a Variant of Uncertain Significance.